The following is an entry in ClinVar:

NM_005077.5(TLE1):c.1482C>T (p.Asn494=)

Genes: TLE1 (TLE family member 1, transcriptional corepressor; minus strand), LOC126860655 (MED14-independent group 3 enhancer GRCh37_chr9:84207247-84208446; plus strand). Cytogenetic location: 9q21.32.
Variant type: single nucleotide variant.
Coding change: c.1482C>T on transcript NM_005077.5 (MANE Select); coding-DNA position 1482, C replaced by T.
Protein change: p.Asn494=; no amino-acid change (asparagine 494 retained).
Molecular consequence: synonymous variant.
Genome position (GRCh38, 1-based): chr9:81,593,124, G>A on the plus strand (C>T on the coding strand, the complement: TLE1 is on the minus strand). VCF-style: chr9-81593124-G-A. GRCh37 (hg19) VCF-style: chr9-84208039-G-A.
Other names: c.1512C>T, p.Asn504= (NM_001303103.2); c.1437C>T, p.Asn479= (NM_001303104.2).
Identifiers: ClinVar variation 2659272 (VCV002659272.24), dbSNP rs61733324, ClinGen allele CA5097123.
Genomic context (GRCh38, chr9:81,593,124, plus strand): 5'-GTGGCTGATGTCCCAGACCTTGACGCAGCCCTTCCCGCCTGTGTACACGTGTCTCGTGGG[G>A]TTGCTGATGGTCACAGCGCACACCACCTCCCCGTGGTTGAGGGTGTTGATCTGGCGAGCA-3'
Protein context (NP_005068.2, residues 484-504): GEVVCAVTIS[Asn494=]PTRHVYTGGK

ClinVar aggregate classification (germline): Likely benign (1 of 4 stars; one submission).

Allele frequency attached by ClinVar (database versions not stated): 1000 Genomes Project 0.00120; 1000 Genomes Project 30x 0.00125; ExAC 0.00356; gnomAD 0.00372; TOPMed 0.00377; ESP Exome Variant Server 0.00400; gnomAD exomes 0.00491.
gnomAD v4.1: 7,782 of 1,614,148 alleles (0.48%); highest among the groups gnomAD compares: Middle Eastern, 0.68%; 26 homozygotes.

Submission:

CeGaT Center for Human Genetics Tuebingen
Classification: Likely benign. Last evaluated: 2022-06-01. Review status: criteria provided, single submitter. Criteria: CeGaT Center For Human Genetics Tuebingen Variant Classification Criteria Version 2. Collection method: clinical testing. Allele origin: germline. Affected: yes. Observed: 1 variant allele.
Comment: TLE1: BP4, BS2